The following is an entry in ClinVar:

NM_144997.7(FLCN):c.1390G>A (p.Glu464Lys)

Gene: FLCN (folliculin; minus strand). Cytogenetic location: 17p11.2.
Variant type: single nucleotide variant.
Coding change: c.1390G>A on transcript NM_144997.7 (MANE Select); coding-DNA position 1390, G replaced by A.
Protein change: p.Glu464Lys; replaces glutamic acid 464 with lysine.
Molecular consequence: missense variant.
Genome position (GRCh38, 1-based): chr17:17,215,227, C>T on the plus strand (G>A on the coding strand, the complement: FLCN is on the minus strand). VCF-style: chr17-17215227-C-T. GRCh37 (hg19) VCF-style: chr17-17118541-C-T.
Other names: c.1444G>A, p.Glu482Lys (NM_001353229.2); c.1390G>A, p.Glu464Lys (NM_001353230.2, NM_001353231.2); short protein forms E482K, E464K.
Identifiers: ClinVar variation 935566 (VCV000935566.11), dbSNP rs1471793185, ClinGen allele CA398531234.

ClinVar aggregate classification (germline): Uncertain significance. Review status: criteria provided, multiple submitters, no conflicts (2 of 4 stars). 3 submissions from 3 submitters: Uncertain significance (3). Last evaluated 2025-08-10.

Conditions:
Hereditary cancer-predisposing syndrome. Also called: Tumor predisposition; Hereditary neoplastic syndrome; Neoplastic Syndromes, Hereditary; Hereditary Cancer Syndrome. Identifiers: Orphanet 140162, MedGen C0027672, MeSH D009386, MONDO:0015356.
Birt-Hogg-Dube syndrome. Also called: Birt Hogg Dubé syndrome. Identifiers: Orphanet 122, MedGen C0346010, MONDO:0800444.

Allele frequency attached by ClinVar (database versions not stated): gnomAD exomes below 0.00001; gnomAD 0.00001; TOPMed 0.00002.

Submissions (3):

Labcorp Genetics (formerly Invitae), Labcorp
Classification: Uncertain significance for Birt-Hogg-Dube syndrome. Last evaluated: 2025-08-10. Review status: criteria provided, single submitter. Criteria: Invitae Variant Classification Sherloc (09022015). Collection method: clinical testing. Allele origin: germline.
Comment: This sequence change replaces glutamic acid, which is acidic and polar, with lysine, which is basic and polar, at codon 464 of the FLCN protein (p.Glu464Lys). This variant is not present in population databases (gnomAD no frequency). This variant has not been reported in the literature in individuals affected with FLCN-related conditions. ClinVar contains an entry for this variant (Variation ID: 935566). Invitae Evidence Modeling of protein sequence and biophysical properties (such as structural, functional, and spatial information, amino acid conservation, physicochemical variation, residue mobility, and thermodynamic stability) indicates that this missense variant is not expected to disrupt FLCN protein function with a negative predictive value of 80%. RNA analysis performed to evaluate the impact of this missense change on mRNA splicing indicates it does not significantly alter splicing (internal data). In summary, the available evidence is currently insufficient to determine the role of this variant in disease. Therefore, it has been classified as a Variant of Uncertain Significance.

Ambry Genetics
Classification: Uncertain significance for Hereditary cancer-predisposing syndrome. Last evaluated: 2024-04-04. Review status: criteria provided, single submitter. Criteria: Ambry Variant Classification Scheme 2023. Collection method: clinical testing. Allele origin: germline.
Comment: The p.E464K variant (also known as c.1390G>A), located in coding exon 9 of the FLCN gene, results from a G to A substitution at nucleotide position 1390. The glutamic acid at codon 464 is replaced by lysine, an amino acid with similar properties. This amino acid position is highly conserved in available vertebrate species. In addition, this alteration is predicted to be deleterious by in silico analysis. Since supporting evidence is limited at this time, the clinical significance of this alteration remains unclear.

Women's Health and Genetics/Laboratory Corporation of America, LabCorp
Classification: Uncertain significance. Last evaluated: 2023-08-19. Review status: criteria provided, single submitter. Criteria: LabCorp Variant Classification Summary - May 2015. Collection method: clinical testing. Allele origin: germline.